The following is an entry in ClinVar:

NM_000478.6(ALPL):c.971C>G (p.Pro324Arg)

Gene: ALPL (alkaline phosphatase, biomineralization associated; plus strand). Cytogenetic location: 1p36.12.
Variant type: single nucleotide variant.
Coding change: c.971C>G on transcript NM_000478.6 (MANE Select); coding-DNA position 971, C replaced by G.
Protein change: p.Pro324Arg; replaces proline 324 with arginine.
Molecular consequence: missense variant.
Genome position (GRCh38, 1-based): chr1:21,573,773, C>G. VCF-style: chr1-21573773-C-G. GRCh37 (hg19) VCF-style: chr1-21900266-C-G.
Other names: c.806C>G, p.Pro269Arg (NM_001127501.4); c.740C>G, p.Pro247Arg (NM_001177520.3); c.971C>G, p.Pro324Arg (NM_001369803.2, NM_001369804.2, NM_001369805.2); short protein forms P269R, P324R, P247R.
Identifiers: ClinVar variation 4575499 (VCV004575499.2).
Genomic context (GRCh38, chr1:21,573,773, plus strand): 5'-TGACGGACCCGTCACTCTCCGAGATGGTGGTGGTGGCCATCCAGATCCTGCGGAAGAACC[C>G]CAAAGGCTTCTTCTTGCTGGTGGAAGGTAGGGACCCCGGGTCTGCTGAGAGGGGGCTGCT-3'
Protein context (NP_000469.3, residues 314-334): VVAIQILRKN[Pro324Arg]KGFFLLVEGG

ClinVar aggregate classification (germline): Uncertain significance. Review status: criteria provided, multiple submitters, no conflicts (2 of 4 stars). 2 submissions from 2 submitters: Uncertain significance (2). Last evaluated 2026-09-01.

Conditions:
Hypophosphatasia. Also called: Phosphoethanol-aminuria. Identifiers: Orphanet 436, MedGen C0020630, MeSH D007014, MONDO:0018570.
Inborn genetic diseases. Identifiers: MedGen C0950123, MeSH D030342.

gnomAD v4.1: 1 of 1,614,174 alleles (0.000062%); highest among the groups gnomAD compares: East Asian, 0.0022%; no homozygotes.

Submissions (2):

Genomenon, Inc
Classification: Uncertain significance for Hypophosphatasia. Last evaluated: 2026-09-01. Review status: criteria provided, single submitter. Criteria: Genomenon Sequence Variant Interpretation Standards - Updated. Collection method: curation. Allele origin: germline. Affected: no.
Comment: ALPL p.Pro324Arg (c.971C>G) is a missense variant that changes the amino acid at codon 324 from Proline to Arginine. This variant has been reported in the published literature (PMID:39983296). It is absent or not present at a significant frequency in gnomAD. In conclusion, we classify ALPL p.Pro324Arg (c.971C>G) as a variant of uncertain significance.

Ambry Genetics
Classification: Uncertain significance for Inborn genetic diseases. Last evaluated: 2025-10-22. Review status: criteria provided, single submitter. Criteria: Ambry Variant Classification Scheme 2023. Collection method: clinical testing. Allele origin: germline.

Literature cited by the submitters: PubMed 39983296 (cited by Genomenon, Inc).